The following is an entry in ClinVar:

NM_000038.6(APC):c.5341C>G (p.Gln1781Glu)

Gene: APC (APC regulator of Wnt signaling pathway; plus strand). Cytogenetic location: 5q22.2.
Variant type: single nucleotide variant.
Coding change: c.5341C>G on transcript NM_000038.6 (MANE Select); coding-DNA position 5341, C replaced by G.
Protein change: p.Gln1781Glu; replaces glutamine 1781 with glutamic acid.
Molecular consequence: missense variant.
Genome position (GRCh38, 1-based): chr5:112,840,935, C>G. VCF-style: chr5-112840935-C-G. GRCh37 (hg19) VCF-style: chr5-112176632-C-G.
Other names: c.5341C>G, p.Gln1781Glu (NM_001127510.3, NM_001354895.2); c.5287C>G, p.Gln1763Glu (NM_001127511.3); c.5395C>G, p.Gln1799Glu (NM_001354896.2); c.5371C>G, p.Gln1791Glu (NM_001354897.2); c.5266C>G, p.Gln1756Glu (NM_001354898.2); c.5257C>G, p.Gln1753Glu (NM_001354899.2); c.5218C>G, p.Gln1740Glu (NM_001354900.2); c.5164C>G, p.Gln1722Glu (NM_001354901.2); and 5 more; short protein forms Q1690E, Q1740E, Q1763E, Q1799E, Q1498E, Q1722E, Q1781E, Q1621E.
Identifiers: ClinVar variation 951512 (VCV000951512.12), dbSNP rs1554086653, ClinGen allele CA16033004.
Genomic context (GRCh38, chr5:112,840,935, plus strand): 5'-AACAAAAATCAGTTAGATGGTAAGAAAAAGAAACCAACTTCACCAGTAAAACCTATACCA[C>G]AAAATACTGAATATAGGACACGTGTAAGAAAAAATGCAGACTCAAAAAATAATTTAAATG-3'
Protein context (NP_000029.2, residues 1771-1791): KPTSPVKPIP[Gln1781Glu]NTEYRTRVRK

ClinVar aggregate classification (germline): Uncertain significance. Review status: criteria provided, multiple submitters, no conflicts (2 of 4 stars). 2 submissions from 2 submitters: Uncertain significance (2). Last evaluated 2025-07-30.

Conditions:
Familial adenomatous polyposis 1 (FAP1). Also called: POLYPOSIS, ADENOMATOUS INTESTINAL; FAMILIAL ADENOMATOUS POLYPOSIS 1, ATTENUATED. Identifiers: MedGen C2713442, MONDO:0021056, OMIM 175100. Disease mechanism: loss of function.
Hereditary cancer-predisposing syndrome. Also called: Tumor predisposition; Hereditary neoplastic syndrome; Neoplastic Syndromes, Hereditary; Hereditary Cancer Syndrome. Identifiers: Orphanet 140162, MedGen C0027672, MeSH D009386, MONDO:0015356.

Submissions (2):

Labcorp Genetics (formerly Invitae), Labcorp
Classification: Uncertain significance for Familial adenomatous polyposis 1. Last evaluated: 2025-07-30. Review status: criteria provided, single submitter. Criteria: Invitae Variant Classification Sherloc (09022015). Collection method: clinical testing. Allele origin: germline.
Comment: This sequence change replaces glutamine, which is neutral and polar, with glutamic acid, which is acidic and polar, at codon 1781 of the APC protein (p.Gln1781Glu). This variant is not present in population databases (gnomAD no frequency). This variant has not been reported in the literature in individuals affected with APC-related conditions. ClinVar contains an entry for this variant (Variation ID: 951512). Invitae Evidence Modeling of protein sequence and biophysical properties (such as structural, functional, and spatial information, amino acid conservation, physicochemical variation, residue mobility, and thermodynamic stability) indicates that this missense variant is not expected to disrupt APC protein function with a negative predictive value of 95%. In summary, the available evidence is currently insufficient to determine the role of this variant in disease. Therefore, it has been classified as a Variant of Uncertain Significance.

Ambry Genetics
Classification: Uncertain significance for Hereditary cancer-predisposing syndrome. Last evaluated: 2023-10-10. Review status: criteria provided, single submitter. Criteria: Ambry Variant Classification Scheme 2023. Collection method: clinical testing. Allele origin: germline.
Comment: The p.Q1781E variant (also known as c.5341C>G), located in coding exon 15 of the APC gene, results from a C to G substitution at nucleotide position 5341. The glutamine at codon 1781 is replaced by glutamic acid, an amino acid with highly similar properties. This amino acid position is conserved. In addition, in silico predictors for this gene do not accurately predict pathogenicity. Since supporting evidence is limited at this time, the clinical significance of this alteration remains unclear.